The following is an entry in ClinVar:

ClinVar aggregate classification (germline): Uncertain significance. Review status: criteria provided, multiple submitters, no conflicts (2 of 4 stars). 2 submissions from 2 submitters: Uncertain significance (2). Last evaluated 2024-06-11.

Conditions:
Retinitis pigmentosa 23 (RP23). Identifiers: Orphanet 791, MedGen C1419610, MONDO:0010320, OMIM 300424.
Simpson-Golabi-Behmel syndrome type 2. Identifiers: Orphanet 79022, MedGen C1846175, MONDO:0010265, OMIM 300209.
Joubert syndrome 10 (JBTS10). Identifiers: Orphanet 2754, MedGen C2749019, MONDO:0010431, OMIM 300804.
Orofaciodigital syndrome I (OFD1). Also called: Papillon-Leage and Psaume Syndrome; OFDS I; Oral-Facial-Digital Syndrome Type I. Identifiers: Orphanet 2750, MedGen C1510460, MONDO:0010702, OMIM 311200.

Allele frequency attached by ClinVar (database versions not stated): gnomAD exomes 0.00001.
gnomAD v4.1: 3 of 1,210,953 alleles (0.00025%); highest among the groups gnomAD compares: Admixed American, 0.0022%; no homozygotes.

Submissions (2):

Fulgent Genetics
Classification: Uncertain significance for Simpson-Golabi-Behmel syndrome type 2; Retinitis pigmentosa 23; Joubert syndrome 10; Orofaciodigital syndrome I. Last evaluated: 2024-06-11. Review status: criteria provided, single submitter. Criteria: ACMG Guidelines, 2015. Collection method: clinical testing. Allele origin: germline.

GeneDx
Classification: Uncertain significance. Last evaluated: 2021-12-17. Review status: criteria provided, single submitter. Criteria: GeneDx Variant Classification Process June 2021. Collection method: clinical testing. Allele origin: germline. Affected: yes.
Comment: Not observed at significant frequency in large population cohorts (Lek et al., 2016); In silico analysis supports that this missense variant does not alter protein structure/function; Has not been previously published as pathogenic or benign to our knowledge

NM_003611.3(OFD1):c.2351T>G (p.Ile784Ser)

Gene: OFD1 (OFD1 centriole and centriolar satellite protein; plus strand). Cytogenetic location: Xp22.2.
Variant type: single nucleotide variant.
Coding change: c.2351T>G on transcript NM_003611.3 (MANE Select); coding-DNA position 2351, T replaced by G.
Protein change: p.Ile784Ser; replaces isoleucine 784 with serine.
Molecular consequence: missense variant.
Genome position (GRCh38, 1-based): chrX:13,761,175, T>G. VCF-style: chrX-13761175-T-G. GRCh37 (hg19) VCF-style: chrX-13779294-T-G.
Other names: c.2231T>G, p.Ile744Ser (NM_001330209.2); c.1931T>G, p.Ile644Ser (NM_001330210.2); short protein forms I644S, I744S, I784S.
Identifiers: ClinVar variation 1328774 (VCV001328774.3), dbSNP rs2047912842, ClinGen allele CA412345062.
Genomic context (GRCh38, chrX:13,761,175, plus strand): 5'-GTCCTTGTCCTGACAGAATGCCCCTACCATCACCCACTGAGTCTAGGCACAGCCTCTCCA[T>G]CCCTCCTGTCTCCAGCCCTCCGGAGCAGAAAGTGGGGTAAGTATAACGTTCTGATTGATT-3'
Protein context (NP_003602.1, residues 774-794): SPTESRHSLS[Ile784Ser]PPVSSPPEQK